The following is an entry in ClinVar:

NM_006517.5(SLC16A2):c.1433T>C (p.Val478Ala)

Gene: SLC16A2 (solute carrier family 16 member 2; plus strand). Cytogenetic location: Xq13.2.
Variant type: single nucleotide variant.
Coding change: c.1433T>C on transcript NM_006517.5 (MANE Select); coding-DNA position 1433, T replaced by C.
Protein change: p.Val478Ala; replaces valine 478 with alanine.
Molecular consequence: missense variant.
Genome position (GRCh38, 1-based): chrX:74,531,366, T>C. VCF-style: chrX-74531366-T-C. GRCh37 (hg19) VCF-style: chrX-73751201-T-C.
Other names: short protein forms V478A.
Identifiers: ClinVar variation 4695123 (VCV004695123.1).

ClinVar aggregate classification (germline): Uncertain significance (1 of 4 stars; one submission).

Conditions:
Spastic paraplegia. Identifiers: MedGen C0037772, HP:0001258.

Submission:

Labcorp Genetics (formerly Invitae), Labcorp
Classification: Uncertain significance for Spastic paraplegia. Last evaluated: 2025-09-24. Review status: criteria provided, single submitter. Criteria: Invitae Variant Classification Sherloc (09022015). Collection method: clinical testing. Allele origin: germline.
Comment: This sequence change replaces valine, which is neutral and non-polar, with alanine, which is neutral and non-polar, at codon 478 of the SLC16A2 protein (p.Val478Ala). This variant is not present in population databases (gnomAD no frequency). This variant has not been reported in the literature in individuals affected with SLC16A2-related conditions. Invitae Evidence Modeling of protein sequence and biophysical properties (such as structural, functional, and spatial information, amino acid conservation, physicochemical variation, residue mobility, and thermodynamic stability) indicates that this missense variant is not expected to disrupt SLC16A2 protein function with a negative predictive value of 95%. In summary, the available evidence is currently insufficient to determine the role of this variant in disease. Therefore, it has been classified as a Variant of Uncertain Significance.